The following is an entry in ClinVar:

ClinVar aggregate classification (germline): Conflicting classifications of pathogenicity. Review status: criteria provided, conflicting classifications (1 of 4 stars). 10 submissions from 10 submitters: Uncertain significance (7); Likely benign (1). 2 of the submissions do not count toward it. Last evaluated 2026-03-17.

Conditions:
MYH6-related disorder. Also called: MYH6-Related Disorders; MYH6-related condition.
Atrial septal defect 3 (ASD3). Identifiers: Orphanet 1478, MedGen C3279790, MONDO:0013567, OMIM 614089.
Hypertrophic cardiomyopathy 1 (CMH1). Also called: Familial hypertrophic cardiomyopathy 1; MYH7-Related Familial Hypertrophic Cardiomyopathy. Identifiers: MedGen C3495498, MONDO:0008647, OMIM 192600.
Dilated cardiomyopathy 1EE (CMD1EE). Identifiers: Orphanet 154, MedGen C2750466, MONDO:0013198, OMIM 613252.
Hypertrophic cardiomyopathy 14. Identifiers: MedGen C2750467, MONDO:0013197, OMIM 613251.
Sick sinus syndrome 3, susceptibility to (SSS3). Identifiers: Orphanet 166282, MedGen C3279791, MONDO:0013568, OMIM 614090.

Allele frequency attached by ClinVar (database versions not stated): gnomAD exomes 0.00003 and 0.00005; ExAC 0.00007; gnomAD 0.00022 and 0.00021; TOPMed 0.00039; 1000 Genomes Project 30x 0.00047; 1000 Genomes Project 0.00060; ESP Exome Variant Server 0.00008.
gnomAD v4.1: 87 of 1,614,184 alleles (0.0054%); highest among the groups gnomAD compares: Admixed American, 0.038%; no homozygotes.

Submissions (10):

PreventionGenetics, part of Exact Sciences
Classification: Uncertain significance for MYH6-related condition. Last evaluated: 2026-03-17. Review status: criteria provided, single submitter. Criteria: ACMG Guidelines, 2015. Collection method: clinical testing. Allele origin: germline.
Comment: The MYH6 c.4772A>G variant is predicted to result in the amino acid substitution p.Asn1591Ser. This variant has been reported in an infant with hypertrophic cardiomyopathy (Aljeaid et al. 2019. PubMed ID: 30762279); however, this same patient was also heterozygous for a well-established pathogenic variant in the PTPN11 gene. This variant is reported in 0.028% of alleles in individuals of African descent in gnomAD. At this time, the clinical significance of this variant is uncertain due to the absence of conclusive functional and genetic evidence.

Labcorp Genetics (formerly Invitae), Labcorp
Classification: Uncertain significance for Hypertrophic cardiomyopathy 14. Last evaluated: 2025-08-26. Review status: criteria provided, single submitter. Criteria: Invitae Variant Classification Sherloc (09022015). Collection method: clinical testing. Allele origin: germline.
Comment: This sequence change replaces asparagine, which is neutral and polar, with serine, which is neutral and polar, at codon 1591 of the MYH6 protein (p.Asn1591Ser). This variant is present in population databases (rs200751434, gnomAD 0.02%). This missense change has been observed in individual(s) with hypertrophic cardiomyopathy (PMID: 30762279). ClinVar contains an entry for this variant (Variation ID: 44519). Invitae Evidence Modeling of protein sequence and biophysical properties (such as structural, functional, and spatial information, amino acid conservation, physicochemical variation, residue mobility, and thermodynamic stability) indicates that this missense variant is not expected to disrupt MYH6 protein function with a negative predictive value of 80%. In summary, the available evidence is currently insufficient to determine the role of this variant in disease. Therefore, it has been classified as a Variant of Uncertain Significance.

ARUP Laboratories, Molecular Genetics and Genomics, ARUP Laboratories
Classification: Uncertain significance. Last evaluated: 2025-04-24. Review status: criteria provided, single submitter. Criteria: ARUP Molecular Germline Variant Investigation Process 2024. Collection method: clinical testing. Allele origin: germline.
Comment: The MYH6 c.4772A>G; p.Asn1591Ser variant (rs200751434, ClinVar Variation ID: 44519) is reported in the literature in an infant with hypertrophic cardiomyopathy that also carried a pathogenic PTPN11 variant (Aljeaid 2019). This variant is found in the general population with an overall allele frequency of 0.005% (15/282846 alleles) in the Genome Aggregation Database (v2.1.1). Computational analyses are uncertain whether this variant is neutral or deleterious (REVEL: 0.596). Due to limited information, the clinical significance of this variant is uncertain at this time. References: Aljeaid D et al. Prevalence of pathogenic and likely pathogenic variants in the RASopathy genes in patients who have had panel testing for cardiomyopathy. Am J Med Genet A. 2019 Apr;179(4):608-614. PMID: 30762279.

Blueprint Genetics
Classification: Likely benign. Last evaluated: 2024-09-15. Review status: criteria provided, single submitter. Criteria: ACMG Guidelines, 2015. Collection method: clinical testing. Allele origin: germline.

GeneDx
Classification: Uncertain significance. Last evaluated: 2024-05-15. Review status: criteria provided, single submitter. Criteria: GeneDx Variant Classification Process June 2021. Collection method: clinical testing. Allele origin: germline. Affected: yes.
Comment: Reported in one individual from a cohort of individuals not selected for cardiomyopathy, arrhythmia or family history of sudden cardiac death, who underwent exome sequencing; however, a follow-up cardiac evaluation was not described (PMID: 23861362); In silico analysis supports that this missense variant has a deleterious effect on protein structure/function; This variant is associated with the following publications: (PMID: 30762279, 23861362)

Fulgent Genetics
Classification: Uncertain significance for Hypertrophic cardiomyopathy 1; Hypertrophic cardiomyopathy 14; Dilated cardiomyopathy 1EE; Atrial septal defect 3; Sick sinus syndrome 3, susceptibility to. Last evaluated: 2021-08-18. Review status: criteria provided, single submitter. Criteria: ACMG Guidelines, 2015. Collection method: clinical testing. Allele origin: unknown.

Biesecker Lab/Clinical Genomics Section, National Institutes of Health
Classification: Uncertain significance. Last evaluated: 2013-06-24. Review status: criteria provided, single submitter. Criteria: Ng et al. (Circ Cardiovasc Genet. 2013). Collection method: research. Allele origin: unknown. Observed: 1 variant allele. Study: ClinSeq.
Comment: The study set was not selected for affection status in relation to any cancer. Pathogenicity categories were based on literature curation. See Pubmed ID:23861362 for details.

Medical sequencing

Laboratory for Molecular Medicine, Mass General Brigham Personalized Medicine
Classification: Uncertain significance. Last evaluated: 2012-08-02. Review status: criteria provided, single submitter. Criteria: LMM Criteria. Collection method: clinical testing. Allele origin: germline. Observed: 1 variant allele.
Comment: The Asn1591Ser variant in MYH6 has been identified in 1/8600 European American c hromosomes from a broad population by the NHLBI Exome Sequencing Project (as well as an additional 1/1323 European chromosomes (dbSNP rs200751434). Note that these could represent presymptomatic individual s. Computational analyses (biochemical amino acid properties, conservation, Alig nGVGD, PolyPhen2, and SIFT) do not provide strong support for or against an impa ct to the protein. Additional information is needed to fully assess the clinical significance of this variant.

Clinical Genetics DNA and cytogenetics Diagnostics Lab, Erasmus MC, Erasmus Medical Center
Classification: Uncertain significance. Review status: no assertion criteria provided. Collection method: clinical testing. Allele origin: germline. Affected: yes. Study: VKGL Data-share Consensus. Not counted in ClinVar's aggregate classification.

Clinical Genetics, Academic Medical Center
Classification: Uncertain significance. Review status: no assertion criteria provided. Collection method: clinical testing. Allele origin: germline. Affected: yes. Study: VKGL Data-share Consensus. Not counted in ClinVar's aggregate classification.

Literature cited by the submitters: PubMed 30762279 (cited by Labcorp Genetics (formerly Invitae), Labcorp).

NM_002471.4(MYH6):c.4772A>G (p.Asn1591Ser)

Genes: MYH6 (myosin heavy chain 6; minus strand), LOC126861896 (BRD4-independent group 4 enhancer GRCh37_chr14:23854904-23856103; plus strand). Cytogenetic location: 14q11.2.
Variant type: single nucleotide variant.
Coding change: c.4772A>G on transcript NM_002471.4 (MANE Select); coding-DNA position 4772, A replaced by G.
Protein change: p.Asn1591Ser; replaces asparagine 1591 with serine.
Molecular consequence: missense variant.
Genome position (GRCh38, 1-based): chr14:23,386,502, T>C on the plus strand (A>G on the coding strand, the complement: MYH6 is on the minus strand). VCF-style: chr14-23386502-T-C. GRCh37 (hg19) VCF-style: chr14-23855711-T-C.
Other names: short protein forms N1591S.
Identifiers: ClinVar variation 44519 (VCV000044519.31), dbSNP rs200751434, ClinGen allele CA134425.
Genomic context (GRCh38, chr14:23,386,502, plus strand): 5'-TTGCGGCTGCGTGTCTCTGCATCCAGGGAGGTCTGCAGCGAGTCCACCACCCGCTGGTGG[T>C]TGCGCTTGGCCTGTTCCATCTCCTCGTCCTTCTCTGCCAGCTTCCGCTCGATCTCTGCCT-3'
Protein context (NP_002462.2, residues 1581-1601): KDEEMEQAKR[Asn1591Ser]HQRVVDSLQT